The following is an entry in ClinVar:

NM_005726.6(TSFM):c.797delinsGG (p.Leu266fs)

Gene: TSFM (Ts translation elongation factor, mitochondrial; plus strand). Cytogenetic location: 12q14.1.
Variant type: Indel.
Coding change: c.797delinsGG on transcript NM_005726.6 (MANE Select); coding-DNA position 797, T replaced by GG.
Protein change: p.Leu266fs; shifts the reading frame from leucine 266.
Molecular consequence: frameshift variant. On other transcripts: 3 prime UTR variant (1), intron variant (1).
Genome position (GRCh38, 1-based): chr12:57,796,402, T replaced by GG. VCF-style: chr12-57796402-T-GG. GRCh37 (hg19) VCF-style: chr12-58190185-T-GG.
Other names: c.*205delinsGG (NM_001172695.2); c.860delinsGG, p.Leu287fs (NM_001172696.2); c.571+3329delinsGG (NM_001172697.2); c.860delTinsGG (NM_001172696.1); short protein forms L266fs, L287fs.
Identifiers: ClinVar variation 2679351 (VCV002679351.3), dbSNP rs2540965587, ClinGen allele CA2695199102.

ClinVar aggregate classification (germline): Likely pathogenic. Review status: criteria provided, multiple submitters, no conflicts (2 of 4 stars). 3 submissions from 3 submitters: Likely pathogenic (3). Last evaluated 2024-08-02.

Conditions:
Fatal mitochondrial disease due to combined oxidative phosphorylation defect type 3. Also called: Combined oxidative phosphorylation deficiency 3; ENCEPHALOMYOPATHY, RESPIRATORY FAILURE, AND LACTIC ACIDOSIS. Identifiers: Orphanet 168566, MedGen C1864840, MONDO:0012512, OMIM 610505.

Submissions (3):

Natera, Inc.
Classification: Likely pathogenic for Combined oxidative phosphorylation deficiency 3. Last evaluated: 2024-08-02. Review status: criteria provided, single submitter. Criteria: Natera Variant Classification Schema (03/2026). Collection method: clinical testing. Allele origin: germline.
Comment: The c.860delTinsGG variant in TSFM is a frameshift variant predicted to shift the reading frame beginning at codon 287 and leads to a stop codon 9 codons downstream. This variant is expected to result in nonsense mediated decay, truncation, or a dysfunctional protein product. This variant is rare in the general population with a frequency below the threshold expected for the associated phenotype(s). Given the available evidence, this variant is classified as Likely Pathogenic.

Fulgent Genetics
Classification: Likely pathogenic for Fatal mitochondrial disease due to combined oxidative phosphorylation defect type 3. Last evaluated: 2024-01-09. Review status: criteria provided, single submitter. Criteria: ACMG Guidelines, 2015. Collection method: clinical testing. Allele origin: germline.

Baylor Genetics
Classification: Likely pathogenic for Fatal mitochondrial disease due to combined oxidative phosphorylation defect type 3. Last evaluated: 2023-10-19. Review status: criteria provided, single submitter. Criteria: ACMG Guidelines, 2015. Collection method: clinical testing. Allele origin: unknown.